The following is an entry in ClinVar:

ClinVar aggregate classification (germline): Likely benign. Review status: criteria provided, multiple submitters, no conflicts (2 of 4 stars). 3 submissions from 3 submitters: Likely benign (2). 1 of the submissions does not count toward it. Last evaluated 2024-12-01.

Conditions:
APOE-related disorder. Also called: APOE-related condition.
Cardiovascular phenotype. Identifiers: MedGen CN230736.

Allele frequency attached by ClinVar (database versions not stated): gnomAD 0.00001; ExAC 0.00002; gnomAD exomes 0.00002; TOPMed 0.00003; ESP Exome Variant Server 0.00008.

Submissions (3):

CeGaT Center for Human Genetics Tuebingen
Classification: Likely benign. Last evaluated: 2024-12-01. Review status: criteria provided, single submitter. Criteria: CeGaT Center For Human Genetics Tuebingen Variant Classification Criteria Version 2. Collection method: clinical testing. Allele origin: germline. Affected: yes. Observed: 1 variant allele.
Comment: APOE: BP4, BP7

Ambry Genetics
Classification: Likely benign for Cardiovascular phenotype. Last evaluated: 2024-02-01. Review status: criteria provided, single submitter. Criteria: Ambry Variant Classification Scheme 2023. Collection method: clinical testing. Allele origin: germline.

PreventionGenetics, part of Exact Sciences
Classification: Likely benign for APOE-related condition. Last evaluated: 2022-07-03. Review status: no assertion criteria provided. Collection method: clinical testing. Allele origin: germline. Not counted in ClinVar's aggregate classification.
Comment: This variant is classified as likely benign based on ACMG/AMP sequence variant interpretation guidelines (Richards et al. 2015 PMID: 25741868, with internal and published modifications).

NM_000041.4(APOE):c.165G>C (p.Leu55=)

Gene: APOE (apolipoprotein E; plus strand). Cytogenetic location: 19q13.32.
Variant type: single nucleotide variant.
Coding change: c.165G>C on transcript NM_000041.4 (MANE Select); coding-DNA position 165, G replaced by C.
Protein change: p.Leu55=; no amino-acid change (leucine 55 retained).
Molecular consequence: synonymous variant.
Genome position (GRCh38, 1-based): chr19:44,907,881, G>C. VCF-style: chr19-44907881-G-C. GRCh37 (hg19) VCF-style: chr19-45411138-G-C.
Other names: c.165G>C (NM_000041.2); c.243G>C, p.Leu81= (NM_001302688.2); c.165G>C, p.Leu55= (NM_001302689.2, NM_001302690.2, NM_001302691.2).
Identifiers: ClinVar variation 3031963 (VCV003031963.16), dbSNP rs376607258, ClinGen allele CA9505993.
Genomic context (GRCh38, chr19:44,907,881, plus strand): 5'-GACCGAGTGGCAGAGCGGCCAGCGCTGGGAACTGGCACTGGGTCGCTTTTGGGATTACCT[G>C]CGCTGGGTGCAGACACTGTCTGAGCAGGTGCAGGAGGAGCTGCTCAGCTCCCAGGTCACC-3'
Protein context (NP_000032.1, residues 45-65): ELALGRFWDY[Leu55=]RWVQTLSEQV